The following is an entry in ClinVar:

ClinVar aggregate classification (germline): Uncertain significance (1 of 4 stars; one submission).

Allele frequency attached by ClinVar (database versions not stated): ExAC 0.00001; gnomAD exomes 0.00001; TOPMed 0.00001; gnomAD 0.00002.
gnomAD v4.1: 18 of 1,614,026 alleles (0.0011%); highest among the groups gnomAD compares: Non-Finnish European, 0.0015%; no homozygotes.

Submission:

Labcorp Genetics (formerly Invitae), Labcorp
Classification: Uncertain significance. Last evaluated: 2025-11-11. Review status: criteria provided, single submitter. Criteria: Invitae Variant Classification Sherloc (09022015). Collection method: clinical testing. Allele origin: germline.
Comment: This sequence change replaces lysine, which is basic and polar, with arginine, which is basic and polar, at codon 720 of the RHOBTB2 protein (p.Lys720Arg). This variant is present in population databases (rs747558024, gnomAD 0.002%). This variant has not been reported in the literature in individuals affected with RHOBTB2-related conditions. ClinVar contains an entry for this variant (Variation ID: 1897275). Invitae Evidence Modeling of protein sequence and biophysical properties (such as structural, functional, and spatial information, amino acid conservation, physicochemical variation, residue mobility, and thermodynamic stability) indicates that this missense variant is not expected to disrupt RHOBTB2 protein function with a negative predictive value of 80%. In summary, the available evidence is currently insufficient to determine the role of this variant in disease. Therefore, it has been classified as a Variant of Uncertain Significance.

NM_015178.3(RHOBTB2):c.2093A>G (p.Lys698Arg)

Gene: RHOBTB2 (Rho related BTB domain containing 2; plus strand). Cytogenetic location: 8p21.3.
Variant type: single nucleotide variant.
Coding change: c.2093A>G on transcript NM_015178.3 (MANE Select); coding-DNA position 2093, A replaced by G.
Protein change: p.Lys698Arg; replaces lysine 698 with arginine.
Molecular consequence: missense variant.
Genome position (GRCh38, 1-based): chr8:23,017,378, A>G. VCF-style: chr8-23017378-A-G. GRCh37 (hg19) VCF-style: chr8-22874891-A-G.
Other names: c.2159A>G, p.Lys720Arg (NM_001160036.2); c.2114A>G, p.Lys705Arg (NM_001160037.2); c.2093A>G, p.Lys698Arg (NM_001374791.1); short protein forms K698R, K705R, K720R.
Identifiers: ClinVar variation 1897275 (VCV001897275.5), dbSNP rs747558024, ClinGen allele CA4672859.